The following is an entry in ClinVar:

ClinVar aggregate classification (germline): Benign/Likely benign. Review status: criteria provided, multiple submitters, no conflicts (2 of 4 stars). 7 submissions from 7 submitters: Benign (2); Likely benign (3). 2 of the submissions do not count toward it. Last evaluated 2026-09-01.

Allele frequency attached by ClinVar (database versions not stated): gnomAD exomes 0.00031 and 0.00103; ExAC 0.00124; gnomAD 0.00342 and 0.00373; ESP Exome Variant Server 0.00369; 1000 Genomes Project 0.00379; TOPMed 0.00408.
gnomAD v4.1: 1,012 of 1,614,174 alleles (0.063%); highest among the groups gnomAD compares: African/African-American, 1.1%; 4 homozygotes.

Submissions (7):

CeGaT Center for Human Genetics Tuebingen
Classification: Likely benign. Last evaluated: 2026-09-01. Review status: criteria provided, single submitter. Criteria: CeGaT Center For Human Genetics Tuebingen Variant Classification Criteria Version 2. Collection method: clinical testing. Allele origin: germline. Affected: yes. Observed: 1 variant allele.
Comment: ERCC5: BP4, BS1

Labcorp Genetics (formerly Invitae), Labcorp
Classification: Benign. Last evaluated: 2026-02-04. Review status: criteria provided, single submitter. Criteria: Invitae Variant Classification Sherloc (09022015). Collection method: clinical testing. Allele origin: germline.

Dasa
Classification: Benign. Last evaluated: 2025-12-26. Review status: criteria provided, single submitter. Criteria: DASA Assertion Criteria. Collection method: clinical testing. Allele origin: germline.
Comment: NM_000123.4(ERCC5):c.2877A>C (p.Arg959Ser) is a missense variant that results in the substitution of arginine with serine. Population frequency is inconsistent with a disease-causing role for this variant, and observations in unaffected individuals support a benign interpretation. Therefore, based on the currently available evidence, this variant is classified as benign.

Blueprint Genetics
Classification: Likely benign. Last evaluated: 2024-11-13. Review status: criteria provided, single submitter. Criteria: ACMG Guidelines, 2015. Collection method: clinical testing. Allele origin: germline.

GeneDx
Classification: Likely benign. Last evaluated: 2020-11-24. Review status: criteria provided, single submitter. Criteria: GeneDx Variant Classification Process June 2021. Collection method: clinical testing. Allele origin: germline. Affected: yes.

ITMI
No classification provided. Condition: AllHighlyPenetrant. Last evaluated: 2013-09-19. Review status: no classification provided. Collection method: reference population. Allele origin: germline. Not counted in ClinVar's aggregate classification.
Comment: Please see associated publication for description of ethnicities

Department of Pathology and Laboratory Medicine, Sinai Health System
Classification: Uncertain significance. Review status: no assertion criteria provided. Collection method: clinical testing. Allele origin: unknown. Affected: yes. Study: The Canadian Open Genetics Repository (COGR). Not counted in ClinVar's aggregate classification.
Comment: The ERCC5 p.Arg959Ser variant was not identified in the literature nor was it identified in Cosmic or LOVD 3.0. The variant was identified in dbSNP (ID: rs41281674) and ClinVar (classification not provided, submitted by ITMI). The variant was identified in control databases in 360 of 282766 chromosomes (1 homozygous) at a frequency of 0.001273 increasing the likelihood this could be a low frequency benign variant (Genome Aggregation Database March 6, 2019, v2.1.1). The variant was observed in the following populations: African in 317 of 24960 chromosomes (freq: 0.0127), Other in 7 of 7222 chromosomes (freq: 0.000969), Latino in 30 of 35422 chromosomes (freq: 0.000847), European (Finnish) in 1 of 25122 chromosomes (freq: 0.00004) and European (non-Finnish) in 5 of 129120 chromosomes (freq: 0.000039), but was not observed in the Ashkenazi Jewish, East Asian and South Asian populations. The p.Arg959 residue is conserved in mammals and computational analyses (PolyPhen-2, SIFT, AlignGVGD, BLOSUM, MutationTaster) provide inconsistent predictions regarding the impact to the protein; this information is not very predictive of pathogenicity. The p.Arg959Ser variant occurs in the third last base of the exon. This position has been shown to be part of the splicing consensus sequence and variants involving this position sometimes affect splicing. However, in silico or computational prediction software programs (SpliceSiteFinder, MaxEntScan, NNSPLICE, GeneSplicer) do not predict a difference in splicing. In summary, based on the above information the clinical significance of this variant cannot be determined with certainty at this time. This variant is classified as a variant of uncertain significance.

Literature cited by the submitters: PubMed 24728327 (cited by ITMI).

NM_000123.4(ERCC5):c.2877A>C (p.Arg959Ser)

Genes: BIVM-ERCC5 (BIVM-ERCC5 readthrough; plus strand), ERCC5 (ERCC excision repair 5, endonuclease; plus strand). Cytogenetic location: 13q33.1.
Variant type: single nucleotide variant.
Coding change: c.2877A>C on transcript NM_000123.4 (MANE Select); coding-DNA position 2877, A replaced by C.
Protein change: p.Arg959Ser; replaces arginine 959 with serine.
Molecular consequence: missense variant.
Genome position (GRCh38, 1-based): chr13:102,872,396, A>C. VCF-style: chr13-102872396-A-C. GRCh37 (hg19) VCF-style: chr13-103524746-A-C.
Other names: c.4239A>C, p.Arg1413Ser (NM_001204425.2); short protein forms R959S, R1413S.
Identifiers: ClinVar variation 134164 (VCV000134164.17), dbSNP rs41281674, ClinGen allele CA158958.